The following is an entry in ClinVar:

ClinVar aggregate classification (germline): Uncertain significance. Review status: criteria provided, multiple submitters, no conflicts (2 of 4 stars). 2 submissions from 2 submitters: Uncertain significance (2). Last evaluated 2025-04-01.

Conditions:
Fanconi anemia (FA). Also called: Fanconi's anemia. Identifiers: Orphanet 84, MedGen C0015625, MeSH D005199, MONDO:0019391.

Allele frequency attached by ClinVar (database versions not stated): TOPMed below 0.00001; gnomAD exomes 0.00001.
gnomAD v4.1: 13 of 1,614,024 alleles (0.00081%); highest among the groups gnomAD compares: Middle Eastern, 0.017%; no homozygotes.

Submissions (2):

CeGaT Center for Human Genetics Tuebingen
Classification: Uncertain significance. Last evaluated: 2025-04-01. Review status: criteria provided, single submitter. Criteria: CeGaT Center For Human Genetics Tuebingen Variant Classification Criteria Version 2. Collection method: clinical testing. Allele origin: germline. Affected: yes. Observed: 1 variant allele.
Comment: FANCI: PM2:Supporting, BP4

Labcorp Genetics (formerly Invitae), Labcorp
Classification: Uncertain significance for Fanconi anemia. Last evaluated: 2025-01-17. Review status: criteria provided, single submitter. Criteria: Invitae Variant Classification Sherloc (09022015). Collection method: clinical testing. Allele origin: germline.
Comment: This sequence change replaces threonine, which is neutral and polar, with methionine, which is neutral and non-polar, at codon 139 of the FANCI protein (p.Thr139Met). This variant is present in population databases (no rsID available, gnomAD 0.0009%). This variant has not been reported in the literature in individuals affected with FANCI-related conditions. ClinVar contains an entry for this variant (Variation ID: 1386397). Invitae Evidence Modeling of protein sequence and biophysical properties (such as structural, functional, and spatial information, amino acid conservation, physicochemical variation, residue mobility, and thermodynamic stability) indicates that this missense variant is expected to disrupt FANCI protein function with a positive predictive value of 80%. In summary, the available evidence is currently insufficient to determine the role of this variant in disease. Therefore, it has been classified as a Variant of Uncertain Significance.

NM_001113378.2(FANCI):c.416C>T (p.Thr139Met)

Gene: FANCI (FA complementation group I; plus strand). Cytogenetic location: 15q26.1.
Variant type: single nucleotide variant.
Coding change: c.416C>T on transcript NM_001113378.2 (MANE Select); coding-DNA position 416, C replaced by T.
Protein change: p.Thr139Met; replaces threonine 139 with methionine.
Molecular consequence: missense variant.
Genome position (GRCh38, 1-based): chr15:89,261,712, C>T. VCF-style: chr15-89261712-C-T. GRCh37 (hg19) VCF-style: chr15-89804943-C-T.
Other names: c.137C>T, p.Thr46Met (NM_001376910.1); c.416C>T, p.Thr139Met (NM_001376911.1, NM_018193.3); short protein forms T139M, T46M.
Identifiers: ClinVar variation 1386397 (VCV001386397.15), dbSNP rs1161378135, ClinGen allele CA393738420.